The following is an entry in ClinVar:

ClinVar aggregate classification (germline): Uncertain significance (1 of 4 stars; one submission).

Conditions:
Tietz syndrome (TADS). Also called: ALBINISM-DEAFNESS OF TIETZ; HYPOPIGMENTATION/DEAFNESS OF TIETZ; TIETZ ALBINISM-DEAFNESS SYNDROME. Identifiers: Orphanet 42665, MedGen C0391816, MONDO:0007077, OMIM 103500.
Waardenburg syndrome type 2A (WS2A). Also called: WAARDENBURG SYNDROME WITHOUT DYSTOPIA CANTHORUM. Identifiers: Orphanet 3440, MedGen C1860339, MONDO:0008671, OMIM 193510.
Melanoma, cutaneous malignant, susceptibility to, 8. Also called: MELANOMA AND RENAL CELL CARCINOMA, SUSCEPTIBILITY TO; Cutaneous malignant melanoma 8. Identifiers: Orphanet 293822, MedGen C3152204, MONDO:0013759, OMIM 614456.

Allele frequency attached by ClinVar (database versions not stated): gnomAD 0.00001; TOPMed 0.00001; ExAC 0.00002; 1000 Genomes Project 0.00020; 1000 Genomes Project 30x 0.00031.
gnomAD v4.1: 2 of 1,613,912 alleles (0.00012%); highest among the groups gnomAD compares: East Asian, 0.0045%; no homozygotes.

Submission:

Labcorp Genetics (formerly Invitae), Labcorp
Classification: Uncertain significance for Melanoma, cutaneous malignant, susceptibility to, 8; Waardenburg syndrome type 2A; Tietz syndrome. Last evaluated: 2025-02-09. Review status: criteria provided, single submitter. Criteria: Invitae Variant Classification Sherloc (09022015). Collection method: clinical testing. Allele origin: germline.
Comment: This sequence change replaces leucine, which is neutral and non-polar, with phenylalanine, which is neutral and non-polar, at codon 281 of the MITF protein (p.Leu281Phe). This variant is present in population databases (rs200819630, gnomAD 0.01%). This variant has not been reported in the literature in individuals affected with MITF-related conditions. ClinVar contains an entry for this variant (Variation ID: 2946210). Invitae Evidence Modeling of protein sequence and biophysical properties (such as structural, functional, and spatial information, amino acid conservation, physicochemical variation, residue mobility, and thermodynamic stability) indicates that this missense variant is expected to disrupt MITF protein function with a positive predictive value of 80%. In summary, the available evidence is currently insufficient to determine the role of this variant in disease. Therefore, it has been classified as a Variant of Uncertain Significance.

NM_001354604.2(MITF):c.1164G>C (p.Leu388Phe)

Gene: MITF (melanocyte inducing transcription factor; plus strand). Cytogenetic location: 3p13.
Variant type: single nucleotide variant.
Coding change: c.1164G>C on transcript NM_001354604.2 (MANE Select); coding-DNA position 1164, G replaced by C.
Protein change: p.Leu388Phe; replaces leucine 388 with phenylalanine.
Molecular consequence: missense variant.
Genome position (GRCh38, 1-based): chr3:69,959,405, G>C. VCF-style: chr3-69959405-G-C. GRCh37 (hg19) VCF-style: chr3-70008556-G-C.
Other names: c.843G>C, p.Leu281Phe (NM_000248.4); c.990G>C, p.Leu330Phe (NM_001184967.2, NM_001354608.2); c.1161G>C, p.Leu387Phe (NM_001354605.2); c.1143G>C, p.Leu381Phe (NM_001354606.2, NM_006722.3); c.1095G>C, p.Leu365Phe (NM_001354607.2); c.825G>C, p.Leu275Phe (NM_198158.3); c.1146G>C, p.Leu382Phe (NM_198159.3); c.1098G>C, p.Leu366Phe (NM_198177.3); and 1 more; short protein forms L219F, L281F, L366F, L382F, L388F, L387F, L275F, L330F.
Identifiers: ClinVar variation 2946210 (VCV002946210.2), dbSNP rs200819630, ClinGen allele CA2490587.